The following is an entry in ClinVar:

ClinVar aggregate classification (germline): Uncertain significance (1 of 4 stars; one submission).

Submission:

GeneDx
Classification: Uncertain significance. Last evaluated: 2023-12-03. Review status: criteria provided, single submitter. Criteria: GeneDx Variant Classification Process June 2021. Collection method: clinical testing. Allele origin: germline. Affected: yes.
Comment: Has not been previously published as pathogenic or benign to our knowledge; Not observed at significant frequency in large population cohorts (gnomAD); In silico analysis supports that this missense variant has a deleterious effect on protein structure/function

NM_001318852.2(MAPK8IP3):c.435T>G (p.Asp145Glu)

Gene: MAPK8IP3 (mitogen-activated protein kinase 8 interacting protein 3; plus strand). Cytogenetic location: 16p13.3.
Variant type: single nucleotide variant.
Coding change: c.435T>G on transcript NM_001318852.2 (MANE Select); coding-DNA position 435, T replaced by G.
Protein change: p.Asp145Glu; replaces aspartic acid 145 with glutamic acid.
Molecular consequence: missense variant.
Genome position (GRCh38, 1-based): chr16:1,724,673, T>G. VCF-style: chr16-1724673-T-G. GRCh37 (hg19) VCF-style: chr16-1774674-T-G.
Other names: c.435T>G, p.Asp145Glu (NM_001040439.2, NM_015133.5); short protein forms D145E.
Identifiers: ClinVar variation 3359302 (VCV003359302.1).